The following is an entry in ClinVar:

ClinVar aggregate classification (germline): Likely benign (1 of 4 stars; one submission).

Allele frequency attached by ClinVar (database versions not stated): gnomAD 0.00782 and 0.00834; TOPMed 0.00857; 1000 Genomes Project 0.00998; 1000 Genomes Project 30x 0.01109.
gnomAD v4.1: 1,179 of 152,316 alleles (0.77%); highest among the groups gnomAD compares: African/African-American, 2.7%; 18 homozygotes.

Submission:

GeneDx
Classification: Likely benign. Last evaluated: 2018-06-19. Review status: criteria provided, single submitter. Criteria: GeneDx Variant Classification (06012015). Collection method: clinical testing. Allele origin: germline. Affected: yes.
Comment: This variant is considered likely benign or benign based on one or more of the following criteria: it is a conservative change, it occurs at a poorly conserved position in the protein, it is predicted to be benign by multiple in silico algorithms, and/or has population frequency not consistent with disease.

NM_004369.4(COL6A3):c.4286-261C>A

Gene: COL6A3 (collagen type VI alpha 3 chain; minus strand). Cytogenetic location: 2q37.3.
Variant type: single nucleotide variant.
Coding change: c.4286-261C>A on transcript NM_004369.4 (MANE Select); 261 bases into the intron before coding-DNA position 4286, C replaced by A.
Molecular consequence: intron variant.
Genome position (GRCh38, 1-based): chr2:237,369,438, G>T on the plus strand (C>A on the coding strand, the complement: COL6A3 is on the minus strand). VCF-style: chr2-237369438-G-T. GRCh37 (hg19) VCF-style: chr2-238278081-G-T.
Other names: c.2465-261C>A (NM_057166.5); c.3668-261C>A (NM_057167.4).
Identifiers: ClinVar variation 674201 (VCV000674201.1), dbSNP rs189764195, ClinGen allele CA67817068.